The following is an entry in ClinVar:

NC_000008.10:g.(?_6264189)_(6479232_?)del

Genes: ANGPT2 (angiopoietin 2; minus strand), MCPH1 (microcephalin 1; plus strand). Cytogenetic location: 8p23.1.
Variant type: Deletion.
Identifiers: ClinVar variation 3245597 (VCV003245597.1).

ClinVar aggregate classification (germline): Pathogenic (1 of 4 stars; one submission).

Submission:

Labcorp Genetics (formerly Invitae), Labcorp
Classification: Pathogenic. Last evaluated: 2023-12-22. Review status: criteria provided, single submitter. Criteria: Invitae Variant Classification Sherloc (09022015). Collection method: clinical testing. Allele origin: unknown.
Comment: This variant is a gross deletion of the genomic region encompassing exon(s) 1-13 of the MCPH1 gene, which includes the initiator codon. This deletion extends beyond the assayed region for this gene and therefore may encompass additional genes. It is expected to result in an absent or disrupted protein product. Loss-of-function variants in MCPH1 are known to be pathogenic (PMID: 20978018). This variant has not been reported in the literature in individuals affected with MCPH1-related conditions. For these reasons, this variant has been classified as Pathogenic.

Literature cited by the submitters: PubMed 20978018.